The following is an entry in ClinVar:

ClinVar aggregate classification (germline): Likely benign (0 of 4 stars; one submission).

Conditions:
RAPSN-related disorder. Also called: RAPSN-related condition; RAPSN-related disorders. Identifiers: MedGen CN239397.

Allele frequency attached by ClinVar (database versions not stated): ExAC 0.00048; 1000 Genomes Project 0.00120; 1000 Genomes Project 30x 0.00141; ESP Exome Variant Server 0.00165.

Submission:

PreventionGenetics, part of Exact Sciences
Classification: Likely benign for RAPSN-related condition. Last evaluated: 2020-03-03. Review status: no assertion criteria provided. Collection method: clinical testing. Allele origin: germline.
Comment: This variant is classified as likely benign based on ACMG/AMP sequence variant interpretation guidelines (Richards et al. 2015 PMID: 25741868, with internal and published modifications).

NM_005055.5(RAPSN):c.1167-36C>A

Gene: RAPSN (receptor associated protein of the synapse; minus strand). Cytogenetic location: 11p11.2.
Variant type: single nucleotide variant.
Coding change: c.1167-36C>A on transcript NM_005055.5 (MANE Select); 36 bases into the intron before coding-DNA position 1167, C replaced by A.
Molecular consequence: intron variant.
Genome position (GRCh38, 1-based): chr11:47,438,083, G>T on the plus strand (C>A on the coding strand, the complement: RAPSN is on the minus strand). VCF-style: chr11-47438083-G-T. GRCh37 (hg19) VCF-style: chr11-47459634-G-T.
Other names: c.990-36C>A (NM_032645.5).
Identifiers: ClinVar variation 3039196 (VCV003039196.2), dbSNP rs201367093, ClinGen allele CA5976462.